The following is an entry in ClinVar:

ClinVar aggregate classification (germline): Uncertain significance (1 of 4 stars; one submission).

Allele frequency attached by ClinVar (database versions not stated): TOPMed below 0.00001; gnomAD 0.00001.

Submission:

Labcorp Genetics (formerly Invitae), Labcorp
Classification: Uncertain significance. Last evaluated: 2022-01-13. Review status: criteria provided, single submitter. Criteria: Invitae Variant Classification Sherloc (09022015). Collection method: clinical testing. Allele origin: germline.
Comment: In summary, the available evidence is currently insufficient to determine the role of this variant in disease. Therefore, it has been classified as a Variant of Uncertain Significance. Experimental studies and prediction algorithms are not available or were not evaluated, and the functional significance of this variant is currently unknown. This variant has not been reported in the literature in individuals affected with TUBB2A-related conditions. This variant is not present in population databases (gnomAD no frequency). This variant, c.1333_1334insACGAGT, results in the deletion of 1 and insertion of 3 amino acid(s) of the TUBB2A protein (p.Ala445delinsAspGluSer), but otherwise preserves the integrity of the reading frame.

NM_001069.3(TUBB2A):c.1333_1334insACGAGT (p.Ala445delinsAspGluSer)

Gene: TUBB2A (tubulin beta 2A class IIa; minus strand). Cytogenetic location: 6p25.2.
Variant type: Insertion.
Coding change: c.1333_1334insACGAGT on transcript NM_001069.3 (MANE Select); coding-DNA positions 1333 to 1334, ACGAGT inserted.
Protein change: p.Ala445delinsAspGluSer.
Molecular consequence: inframe indel.
Genome position: GRCh38 VCF-style: chr6-3153867-G-GACTCGT. GRCh37 (hg19) VCF-style: chr6-3154101-G-GACTCGT.
Other names: c.1078_1079insACGAGT, p.Ala360delinsAspGluSer (NM_001310315.2).
Identifiers: ClinVar variation 2081636 (VCV002081636.4), dbSNP rs1481378831, ClinGen allele CA823874957.